The following is an entry in ClinVar:

NM_014141.6(CNTNAP2):c.3965T>C (p.Ile1322Thr)

Gene: CNTNAP2 (contactin associated protein 2; plus strand). Cytogenetic location: 7q36.1.
Variant type: single nucleotide variant.
Coding change: c.3965T>C on transcript NM_014141.6 (MANE Select); coding-DNA position 3965, T replaced by C.
Protein change: p.Ile1322Thr; replaces isoleucine 1322 with threonine.
Molecular consequence: missense variant.
Genome position (GRCh38, 1-based): chr7:148,415,585, T>C. VCF-style: chr7-148415585-T-C. GRCh37 (hg19) VCF-style: chr7-148112677-T-C.
Other names: short protein forms I1322T.
Identifiers: ClinVar variation 1033665 (VCV001033665.6), dbSNP rs770332632, ClinGen allele CA4546855.

ClinVar aggregate classification (germline): Uncertain significance. Review status: criteria provided, multiple submitters, no conflicts (2 of 4 stars). 3 submissions from 3 submitters: Uncertain significance (3). Last evaluated 2024-05-08.

Conditions:
Inborn genetic diseases. Identifiers: MedGen C0950123, MeSH D030342.
Cortical dysplasia-focal epilepsy syndrome (PTHSL1). Also called: Pitt-Hopkins-like syndrome 1. Identifiers: Orphanet 163681, Orphanet 221150, MedGen C2750246, MONDO:0012400, OMIM 610042.

Allele frequency attached by ClinVar (database versions not stated): gnomAD exomes below 0.00001 and 0.00001; TOPMed below 0.00001; ExAC 0.00001; gnomAD 0.00001.
gnomAD v4.1: 9 of 1,614,020 alleles (0.00056%); highest among the groups gnomAD compares: Admixed American, 0.0033%; no homozygotes.

Submissions (3):

Ambry Genetics
Classification: Uncertain significance for Inborn genetic diseases. Last evaluated: 2024-05-08. Review status: criteria provided, single submitter. Criteria: Ambry Variant Classification Scheme 2023. Collection method: clinical testing. Allele origin: germline.

Labcorp Genetics (formerly Invitae), Labcorp
Classification: Uncertain significance for Cortical dysplasia-focal epilepsy syndrome. Last evaluated: 2023-11-27. Review status: criteria provided, single submitter. Criteria: Invitae Variant Classification Sherloc (09022015). Collection method: clinical testing. Allele origin: germline.
Comment: This sequence change replaces isoleucine, which is neutral and non-polar, with threonine, which is neutral and polar, at codon 1322 of the CNTNAP2 protein (p.Ile1322Thr). This variant is present in population databases (rs770332632, gnomAD 0.006%). This variant has not been reported in the literature in individuals affected with CNTNAP2-related conditions. ClinVar contains an entry for this variant (Variation ID: 1033665). An algorithm developed to predict the effect of missense changes on protein structure and function (PolyPhen-2) suggests that this variant¬†is likely to be tolerated. In summary, the available evidence is currently insufficient to determine the role of this variant in disease. Therefore, it has been classified as a Variant of Uncertain Significance.

Baylor Genetics
Classification: Uncertain significance for Cortical dysplasia-focal epilepsy syndrome. Last evaluated: 2018-07-24. Review status: criteria provided, single submitter. Criteria: ACMG Guidelines, 2015. Collection method: clinical testing. Allele origin: maternal. Affected: yes.
Comment: This variant was determined to be of uncertain significance according to ACMG Guidelines, 2015 [PMID:25741868].

Literature cited by the submitters: PubMed 38539105 (cited by Ambry Genetics).